The following is an entry in ClinVar:

NM_015117.3(ZC3H3):c.1203G>C (p.Lys401Asn)

Gene: ZC3H3 (zinc finger CCCH-type containing 3; minus strand). Cytogenetic location: 8q24.3.
Variant type: single nucleotide variant.
Coding change: c.1203G>C on transcript NM_015117.3 (MANE Select); coding-DNA position 1203, G replaced by C.
Protein change: p.Lys401Asn; replaces lysine 401 with asparagine.
Molecular consequence: missense variant.
Genome position (GRCh38, 1-based): chr8:143,538,164, C>G on the plus strand (G>C on the coding strand, the complement: ZC3H3 is on the minus strand). VCF-style: chr8-143538164-C-G. GRCh37 (hg19) VCF-style: chr8-144620334-C-G.
Other names: short protein forms K401N.
Identifiers: ClinVar variation 1679863 (VCV001679863.26), dbSNP rs145312531, ClinGen allele CA4910655.

ClinVar aggregate classification (germline): Likely benign. Review status: criteria provided, multiple submitters, no conflicts (2 of 4 stars). 3 submissions from 3 submitters: Likely benign (2). 1 of the submissions does not count toward it. Last evaluated 2024-01-01.

Conditions:
Decreased total neutrophil count. Also called: Neutropenia. Identifiers: MedGen C0853697, MONDO:0001475, HP:0001875.
Decreased total lymphocyte count. Also called: Lymphopenia. Identifiers: MedGen C0024312, MONDO:0003783, HP:0001888.

Allele frequency attached by ClinVar (database versions not stated): 1000 Genomes Project 0.00240; 1000 Genomes Project 30x 0.00250; gnomAD 0.00366 and 0.00429; ESP Exome Variant Server 0.00400; gnomAD exomes 0.00428 and 0.00501; ExAC 0.00435; TOPMed 0.00490.
gnomAD v4.1: 7,965 of 1,613,056 alleles (0.49%); highest among the groups gnomAD compares: Middle Eastern, 1.6%; 37 homozygotes.

Submissions (3):

CeGaT Center for Human Genetics Tuebingen
Classification: Likely benign. Last evaluated: 2024-01-01. Review status: criteria provided, single submitter. Criteria: CeGaT Center For Human Genetics Tuebingen Variant Classification Criteria Version 2. Collection method: clinical testing. Allele origin: germline. Affected: yes. Observed: 2 variant alleles.
Comment: ZC3H3: BP4, BS2

Breakthrough Genomics
Classification: Likely benign. Review status: criteria provided, single submitter. Criteria: ACMG Guidelines, 2015. Collection method: not provided. Allele origin: germline. Inheritance: Unknown mechanism. Affected: yes.

Department of Biosciences, University of Milan
Classification: Likely benign for Decreased total neutrophil count; Decreased total lymphocyte count. Review status: no assertion criteria provided. Collection method: research. Allele origin: maternal. Affected: yes. Not counted in ClinVar's aggregate classification.